The following is an entry in ClinVar:

NM_002968.3(SALL1):c.1160C>T (p.Ala387Val)

Gene: SALL1 (spalt like transcription factor 1; minus strand). Cytogenetic location: 16q12.1.
Variant type: single nucleotide variant.
Coding change: c.1160C>T on transcript NM_002968.3 (MANE Select); coding-DNA position 1160, C replaced by T.
Protein change: p.Ala387Val; replaces alanine 387 with valine.
Molecular consequence: missense variant.
Genome position (GRCh38, 1-based): chr16:51,141,062, G>A on the plus strand (C>T on the coding strand, the complement: SALL1 is on the minus strand). VCF-style: chr16-51141062-G-A. GRCh37 (hg19) VCF-style: chr16-51174973-G-A.
Other names: c.869C>T, p.Ala290Val (NM_001127892.2); short protein forms A290V, A387V.
Identifiers: ClinVar variation 2575797 (VCV002575797.1), dbSNP rs758932930, ClinGen allele CA8053329.

ClinVar aggregate classification (germline): Uncertain significance (1 of 4 stars; one submission).

Allele frequency attached by ClinVar (database versions not stated): gnomAD 0.00001.
gnomAD v4.1: 11 of 1,614,106 alleles (0.00068%); highest among the groups gnomAD compares: Admixed American, 0.0067%; no homozygotes.

Submission:

GeneDx
Classification: Uncertain significance. Last evaluated: 2023-02-10. Review status: criteria provided, single submitter. Criteria: GeneDx Variant Classification Process June 2021. Collection method: clinical testing. Allele origin: germline. Affected: yes.
Comment: In silico analysis supports that this missense variant does not alter protein structure/function; Has not been previously published as pathogenic or benign to our knowledge